The following is an entry in ClinVar:

ClinVar aggregate classification (germline): Uncertain significance (1 of 4 stars; one submission).

Submission:

CeGaT Center for Human Genetics Tuebingen
Classification: Uncertain significance. Last evaluated: 2026-03-01. Review status: criteria provided, single submitter. Criteria: CeGaT Center For Human Genetics Tuebingen Variant Classification Criteria Version 2. Collection method: clinical testing. Allele origin: germline. Affected: yes. Observed: 1 variant allele.
Comment: KMT2B: PM2

NM_014727.3(KMT2B):c.6691T>A (p.Ser2231Thr)

Gene: KMT2B (lysine methyltransferase 2B; plus strand). Cytogenetic location: 19q13.12.
Variant type: single nucleotide variant.
Coding change: c.6691T>A on transcript NM_014727.3 (MANE Select); coding-DNA position 6691, T replaced by A.
Protein change: p.Ser2231Thr; replaces serine 2231 with threonine.
Molecular consequence: missense variant.
Genome position (GRCh38, 1-based): chr19:35,733,240, T>A. VCF-style: chr19-35733240-T-A. GRCh37 (hg19) VCF-style: chr19-36224141-T-A.
Other names: short protein forms S2231T.
Identifiers: ClinVar variation 4823612 (VCV004823612.4).